The following is an entry in ClinVar:

ClinVar aggregate classification (germline): Likely benign. Review status: criteria provided, multiple submitters, no conflicts (2 of 4 stars). 7 submissions from 7 submitters: Likely benign (7). Last evaluated 2026-03-27.

Conditions:
Cardiovascular phenotype. Identifiers: MedGen CN230736.

Allele frequency attached by ClinVar (database versions not stated): 1000 Genomes Project 30x 0.00016; 1000 Genomes Project 0.00020; TOPMed 0.00053; gnomAD 0.00055 and 0.00056; ExAC 0.00056; ESP Exome Variant Server 0.00057; gnomAD exomes 0.00059 and 0.00083.

Submissions (7):

Molecular Diagnostic Laboratory for Inherited Cardiovascular Disease, Montreal Heart Institute
Classification: Likely benign. Last evaluated: 2026-03-27. Review status: criteria provided, single submitter. Criteria: ACMG Guidelines, 2015. Collection method: clinical testing. Allele origin: germline. Affected: no.
Comment: BP7

Labcorp Genetics (formerly Invitae), Labcorp
Classification: Likely benign. Last evaluated: 2026-01-27. Review status: criteria provided, single submitter. Criteria: Invitae Variant Classification Sherloc (09022015). Collection method: clinical testing. Allele origin: germline.

Mayo Clinic Laboratories, Mayo Clinic
Classification: Likely benign. Last evaluated: 2025-03-04. Review status: criteria provided, single submitter. Criteria: ACMG Guidelines, 2015. Collection method: clinical testing. Allele origin: germline. Observed: 1 variant allele.
Comment: BS1, BP4, BP7

Laboratory of Genetics, Children's Clinical University Hospital Latvia
Classification: Likely benign. Last evaluated: 2025-02-16. Review status: criteria provided, single submitter. Criteria: ACMG Guidelines, 2015. Collection method: clinical testing. Allele origin: germline. Affected: yes.

Blueprint Genetics
Classification: Likely benign. Last evaluated: 2024-11-11. Review status: criteria provided, single submitter. Criteria: ACMG Guidelines, 2015. Collection method: clinical testing. Allele origin: germline.

Ambry Genetics
Classification: Likely benign for Cardiovascular phenotype. Last evaluated: 2022-03-30. Review status: criteria provided, single submitter. Criteria: Ambry Variant Classification Scheme 2023. Collection method: clinical testing. Allele origin: germline.

CeGaT Center for Human Genetics Tuebingen
Classification: Likely benign. Last evaluated: 2022-03-01. Review status: criteria provided, single submitter. Criteria: CeGaT Center For Human Genetics Tuebingen Variant Classification Criteria Version 2. Collection method: clinical testing. Allele origin: germline. Affected: yes. Observed: 1 variant allele.
Comment: LMF1: BP4, BP7

Literature cited by the submitters: PubMed 27108409 (cited by Mayo Clinic Laboratories, Mayo Clinic).

NM_022773.4(LMF1):c.205C>T (p.Leu69=)

Gene: LMF1 (lipase maturation factor 1; minus strand). Cytogenetic location: 16p13.3.
Variant type: single nucleotide variant.
Coding change: c.205C>T on transcript NM_022773.4 (MANE Select); coding-DNA position 205, C replaced by T.
Protein change: p.Leu69=; no amino-acid change (leucine 69 retained).
Molecular consequence: synonymous variant. On other transcripts: 5 prime UTR variant (4), non-coding transcript variant (1).
Genome position (GRCh38, 1-based): chr16:954,655, G>A on the plus strand (C>T on the coding strand, the complement: LMF1 is on the minus strand). VCF-style: chr16-954655-G-A. GRCh37 (hg19) VCF-style: chr16-1004655-G-A.
Other names: p.Leu69=; c.-599C>T (NM_001352017.2); c.-350C>T (NM_001352018.2); c.-123C>T (NM_001352019.2); c.205C>T, p.Leu69= (NM_001352020.1); c.-501C>T (NM_001352021.2).
Identifiers: ClinVar variation 1535686 (VCV001535686.36), dbSNP rs201960545, ClinGen allele CA7797721.
Genomic context (GRCh38, chr16:954,655, plus strand): 5'-CTCTGCAGGGAAGCAGCCCCCTGTCACCGATGAGCTGCTTGTTCTGATGGAAAGCCACCA[G>A]GAATGCCACGACTGGAAGAAAAAGAAGACAAAACAAGCATGACTAGGAACAAACCACATG-3'
Protein context (NP_073610.2, residues 59-79): ALAFVYFVAF[Leu69=]VAFHQNKQLI